The following is an entry in ClinVar:

NM_001377265.1(MAPT):c.2242T>A (p.Ser748Thr)

Gene: MAPT (microtubule associated protein tau). Cytogenetic location: 17q21.31.
Variant type: single nucleotide variant.
Coding change: c.2242T>A on transcript NM_001377265.1 (MANE Select); coding-DNA position 2242, T replaced by A.
Protein change: p.Ser748Thr; replaces serine 748 with threonine.
Molecular consequence: missense variant. On other transcripts: non-coding transcript variant (1), intron variant (1).
Genome position (GRCh38, 1-based): chr17:46,018,686, T>A. VCF-style: chr17-46018686-T-A. GRCh37 (hg19) VCF-style: chr17-44096052-T-A.
Other names: c.2071T>A, p.Ser691Thr (NM_001123066.4); c.979T>A, p.Ser327Thr (NM_001123067.4); c.886T>A, p.Ser296Thr (NM_001203251.2); c.973T>A, p.Ser325Thr (NM_001203252.2); c.1951T>A, p.Ser651Thr (NM_001377266.1); c.799T>A, p.Ser267Thr (NM_001377268.1, NM_016841.5); c.1066T>A, p.Ser356Thr (NM_005910.6); c.892T>A, p.Ser298Thr (NM_016834.5); and 2 more; short protein forms S267T, S296T, S298T, S325T, S327T, S356T, S651T, S673T.
Identifiers: ClinVar variation 986870 (VCV000986870.4), dbSNP rs2076339915, ClinGen allele CA399983795.

ClinVar aggregate classification (germline): Conflicting classifications of pathogenicity. Review status: criteria provided, conflicting classifications (1 of 4 stars). 2 submissions from 2 submitters: Likely pathogenic (1); Uncertain significance (1). Last evaluated 2026-06-01.

Submissions (2):

CeGaT Center for Human Genetics Tuebingen
Classification: Uncertain significance. Last evaluated: 2026-06-01. Review status: criteria provided, single submitter. Criteria: CeGaT Center For Human Genetics Tuebingen Variant Classification Criteria Version 2. Collection method: clinical testing. Allele origin: germline. Affected: yes. Observed: 1 variant allele.
Comment: MAPT: PM1, PM2, PS4:Supporting

Institute of Medical Genetics and Applied Genomics, University Hospital Tübingen
Classification: Likely pathogenic. Last evaluated: 2020-10-23. Review status: criteria provided, single submitter. Criteria: ACMG Guidelines, 2015. Collection method: clinical testing. Allele origin: germline. Inheritance: Unknown mechanism. Affected: yes.